The following is an entry in ClinVar:

ClinVar aggregate classification (germline): Uncertain significance (1 of 4 stars; one submission).

Conditions:
Juvenile polyposis syndrome (JPS). Identifiers: Orphanet 2929, MedGen C0345893, MONDO:0017380, OMIM 174900.

Submission:

Labcorp Genetics (formerly Invitae), Labcorp
Classification: Uncertain significance for Juvenile polyposis syndrome. Last evaluated: 2025-02-04. Review status: criteria provided, single submitter. Criteria: Invitae Variant Classification Sherloc (09022015). Collection method: clinical testing. Allele origin: germline.
Comment: This sequence change replaces proline, which is neutral and non-polar, with alanine, which is neutral and non-polar, at codon 431 of the SMAD4 protein (p.Pro431Ala). This variant is not present in population databases (gnomAD no frequency). This variant has not been reported in the literature in individuals affected with SMAD4-related conditions. Invitae Evidence Modeling of protein sequence and biophysical properties (such as structural, functional, and spatial information, amino acid conservation, physicochemical variation, residue mobility, and thermodynamic stability) has been performed for this missense variant. However, the output from this modeling did not meet the statistical confidence thresholds required to predict the impact of this variant on SMAD4 protein function. In summary, the available evidence is currently insufficient to determine the role of this variant in disease. Therefore, it has been classified as a Variant of Uncertain Significance.

NM_005359.6(SMAD4):c.1291C>G (p.Pro431Ala)

Gene: SMAD4 (SMAD family member 4; plus strand). Cytogenetic location: 18q21.2.
Variant type: single nucleotide variant.
Coding change: c.1291C>G on transcript NM_005359.6 (MANE Select); coding-DNA position 1291, C replaced by G.
Protein change: p.Pro431Ala; replaces proline 431 with alanine.
Molecular consequence: missense variant. On other transcripts: non-coding transcript variant (1).
Genome position (GRCh38, 1-based): chr18:51,067,170, C>G. VCF-style: chr18-51067170-C-G. GRCh37 (hg19) VCF-style: chr18-48593540-C-G.
Other names: c.1291C>G, p.Pro431Ala (NM_001407041.1, NM_001407042.1); short protein forms P431A.
Identifiers: ClinVar variation 3637577 (VCV003637577.2).